The following is an entry in ClinVar:

ClinVar aggregate classification (germline): Conflicting classifications of pathogenicity. Review status: criteria provided, conflicting classifications (1 of 4 stars). 2 submissions from 2 submitters: Likely pathogenic (1); Uncertain significance (1). Last evaluated 2024-03-10.

Conditions:
POLH-related disorder. Also called: POLH-related condition.

Allele frequency attached by ClinVar (database versions not stated): gnomAD exomes 0.00004 and 0.00019; ExAC 0.00005; gnomAD 0.00005 and 0.00006.
gnomAD v4.1: 282 of 1,613,972 alleles (0.017%); highest among the groups gnomAD compares: Non-Finnish European, 0.023%; no homozygotes.

Submissions (2):

Women's Health and Genetics/Laboratory Corporation of America, LabCorp
Classification: Uncertain significance. Last evaluated: 2024-03-10. Review status: criteria provided, single submitter. Criteria: LabCorp Variant Classification Summary - May 2015. Collection method: clinical testing. Allele origin: germline.
Comment: Variant summary: POLH c.332G>A (p.Arg111His) results in a non-conservative amino acid change located in the UmuC domain (IPR001126) of the encoded protein sequence. Five of five in-silico tools predict a damaging effect of the variant on protein function. The variant allele was found at a frequency of 4.4e-05 in 251490 control chromosomes. This frequency is not significantly higher than estimated for a pathogenic variant in POLH causing Xeroderma Pigmentosum (4.4e-05 vs 0.0003), allowing no conclusion about variant significance. c.332G>A has been reported in the literature as a compound heterozygous genotype in at-least two individuals affected with Xeroderma Pigmentosum (example, Broughton_2002, Fassihi_2016). These data indicate that the variant may be associated with disease. To our knowledge, no experimental evidence demonstrating an impact on protein function has been reported. The following publications have been ascertained in the context of this evaluation (PMID: 11773631, 26884178, 38212351). ClinVar contains an entry for this variant (Variation ID: 1331405). Based on the evidence outlined above, the variant was classified as VUS-possibly pathogenic.

Blueprint Genetics
Classification: Likely pathogenic for POLH-related disorders. Last evaluated: 2022-11-15. Review status: criteria provided, single submitter. Criteria: ACMG Guidelines, 2015. Collection method: clinical testing. Allele origin: germline. Affected: yes. Observed: 5 variant alleles.

Literature cited by the submitters: PubMed 26884178 (cited by Women's Health and Genetics/Laboratory Corporation of America, LabCorp); PubMed 11773631 (cited by Women's Health and Genetics/Laboratory Corporation of America, LabCorp); PubMed 38212351 (cited by Women's Health and Genetics/Laboratory Corporation of America, LabCorp).

NM_006502.3(POLH):c.332G>A (p.Arg111His)

Gene: POLH (DNA polymerase eta; plus strand). Cytogenetic location: 6p21.1.
Variant type: single nucleotide variant.
Coding change: c.332G>A on transcript NM_006502.3 (MANE Select); coding-DNA position 332, G replaced by A.
Protein change: p.Arg111His; replaces arginine 111 with histidine.
Molecular consequence: missense variant. On other transcripts: intron variant (1).
Genome position (GRCh38, 1-based): chr6:43,587,331, G>A. VCF-style: chr6-43587331-G-A. GRCh37 (hg19) VCF-style: chr6-43555068-G-A.
Other names: c.332G>A, p.Arg111His (NM_001291970.2); c.118+4190G>A (NM_001291969.2); short protein forms R111H.
Identifiers: ClinVar variation 1331405 (VCV001331405.8), dbSNP rs758423288, ClinGen allele CA3826954.